The following is an entry in ClinVar:

ClinVar aggregate classification (germline): Uncertain significance (1 of 4 stars; one submission).

Conditions:
CREBBP-related disorder. Also called: CREBBP-related condition; CREBBP-related disorders.

Submission:

PreventionGenetics, part of Exact Sciences
Classification: Uncertain significance for CREBBP-related condition. Last evaluated: 2023-07-18. Review status: criteria provided, single submitter. Criteria: ACMG Guidelines, 2015. Collection method: clinical testing. Allele origin: germline.
Comment: The CREBBP c.1475A>T variant is predicted to result in the amino acid substitution p.Tyr492Phe. To our knowledge, this variant has not been reported in the literature or in a large population database, indicating this variant is rare. At this time, the clinical significance of this variant is uncertain due to the absence of conclusive functional and genetic evidence.

NM_004380.3(CREBBP):c.1475A>T (p.Tyr492Phe)

Gene: CREBBP (CREB binding lysine acetyltransferase; minus strand). Cytogenetic location: 16p13.3.
Variant type: single nucleotide variant.
Coding change: c.1475A>T on transcript NM_004380.3 (MANE Select); coding-DNA position 1475, A replaced by T.
Protein change: p.Tyr492Phe; replaces tyrosine 492 with phenylalanine.
Molecular consequence: missense variant.
Genome position (GRCh38, 1-based): chr16:3,782,782, T>A on the plus strand (A>T on the coding strand, the complement: CREBBP is on the minus strand). VCF-style: chr16-3782782-T-A. GRCh37 (hg19) VCF-style: chr16-3832783-T-A.
Other names: c.1361A>T, p.Tyr454Phe (NM_001079846.1); short protein forms Y454F, Y492F.
Identifiers: ClinVar variation 2631474 (VCV002631474.1), dbSNP rs1368073022, ClinGen allele CA394557560.